The following is an entry in ClinVar:

ClinVar aggregate classification (germline): Uncertain significance. Review status: criteria provided, multiple submitters, no conflicts (2 of 4 stars). 4 submissions from 4 submitters: Uncertain significance (4). Last evaluated 2024-08-18.

Conditions:
Cutis laxa with osteodystrophy (ARCL2A). Also called: Debré-Type Cutis Laxa; CUTIS LAXA WITH CONGENITAL DISORDER OF GLYCOSYLATION; CUTIS LAXA, AUTOSOMAL RECESSIVE, TYPE IIA; Autosomal recessive cutis laxa type 2A; CUTIS LAXA WITH BONE DYSTROPHY; CUTIS LAXA WITH GROWTH AND DEVELOPMENTAL DELAY. Identifiers: Orphanet 357058, MedGen C0268355, MONDO:0018163, OMIM 219200. Disease mechanism: loss of function.
ALG9 congenital disorder of glycosylation (CDG1L). Also called: ALG9-CDG; CDG Il; CONGENITAL DISORDER OF GLYCOSYLATION, TYPE Il. Identifiers: Orphanet 79328, MedGen C2931006, MONDO:0012117, OMIM 608776.
Inborn genetic diseases. Identifiers: MedGen C0950123, MeSH D030342.

Allele frequency attached by ClinVar (database versions not stated): gnomAD 0.00003 and 0.00004; gnomAD exomes 0.00006 and 0.00010; TOPMed 0.00007; ExAC 0.00009.
gnomAD v4.1: 103 of 1,609,010 alleles (0.0064%); highest among the groups gnomAD compares: Middle Eastern, 0.16%; no homozygotes.

Submissions (4):

GeneDx
Classification: Uncertain significance. Last evaluated: 2024-08-18. Review status: criteria provided, single submitter. Criteria: GeneDx Variant Classification Process June 2021. Collection method: clinical testing. Allele origin: germline. Affected: yes.
Comment: In silico analysis indicates that this missense variant does not alter protein structure/function; Has not been previously published as pathogenic or benign to our knowledge

Labcorp Genetics (formerly Invitae), Labcorp
Classification: Uncertain significance for ALG9 congenital disorder of glycosylation. Last evaluated: 2022-08-19. Review status: criteria provided, single submitter. Criteria: Invitae Variant Classification Sherloc (09022015). Collection method: clinical testing. Allele origin: germline.
Comment: This sequence change replaces proline, which is neutral and non-polar, with leucine, which is neutral and non-polar, at codon 147 of the ATP6V0A2 protein (p.Pro147Leu). This variant is present in population databases (rs747354658, gnomAD 0.04%). This variant has not been reported in the literature in individuals affected with ATP6V0A2-related conditions. ClinVar contains an entry for this variant (Variation ID: 883835). Algorithms developed to predict the effect of missense changes on protein structure and function (SIFT, PolyPhen-2, Align-GVGD) all suggest that this variant is likely to be tolerated. Algorithms developed to predict the effect of sequence changes on RNA splicing suggest that this variant may disrupt the consensus splice site. In summary, the available evidence is currently insufficient to determine the role of this variant in disease. Therefore, it has been classified as a Variant of Uncertain Significance.

Ambry Genetics
Classification: Uncertain significance for Inborn genetic diseases. Last evaluated: 2021-10-06. Review status: criteria provided, single submitter. Criteria: Ambry Variant Classification Scheme 2023. Collection method: clinical testing. Allele origin: germline.

Illumina Laboratory Services, Illumina
Classification: Uncertain significance for Cutis laxa with osteodystrophy. Last evaluated: 2018-01-13. Review status: criteria provided, single submitter. Criteria: ICSL Variant Classification Criteria 13 December 2019. Collection method: clinical testing. Allele origin: germline.

NM_012463.4(ATP6V0A2):c.440C>T (p.Pro147Leu)

Gene: ATP6V0A2 (ATPase H+ transporting V0 subunit a2; plus strand). Cytogenetic location: 12q24.31.
Variant type: single nucleotide variant.
Coding change: c.440C>T on transcript NM_012463.4 (MANE Select); coding-DNA position 440, C replaced by T.
Protein change: p.Pro147Leu; replaces proline 147 with leucine.
Molecular consequence: missense variant.
Genome position (GRCh38, 1-based): chr12:123,726,204, C>T. VCF-style: chr12-123726204-C-T. GRCh37 (hg19) VCF-style: chr12-124210751-C-T.
Other names: short protein forms P147L.
Identifiers: ClinVar variation 883835 (VCV000883835.14), dbSNP rs747354658, ClinGen allele CA6861623.
Genomic context (GRCh38, chr12:123,726,204, plus strand): 5'-AATAAAGTGTCACTTTTAATGAGACACACTTGGTTTCATATGTTTATTTCTAGTTTGAAC[C>T]CACTTATGAAGAATTCCCTTCCTTAGAGAGTGATTCTTTGTTGGATTACAGCTGTATGCA-3'
Protein context (NP_036595.2, residues 137-157): TFVKRNVEFE[Pro147Leu]TYEEFPSLES